The following is an entry in ClinVar:

NM_181486.4(TBX5):c.23T>C (p.Phe8Ser)

Gene: TBX5 (T-box transcription factor 5; minus strand). Cytogenetic location: 12q24.21.
Variant type: single nucleotide variant.
Coding change: c.23T>C on transcript NM_181486.4 (MANE Select); coding-DNA position 23, T replaced by C.
Protein change: p.Phe8Ser; replaces phenylalanine 8 with serine.
Molecular consequence: missense variant. On other transcripts: intron variant (1).
Genome position (GRCh38, 1-based): chr12:114,403,876, A>G on the plus strand (T>C on the coding strand, the complement: TBX5 is on the minus strand). VCF-style: chr12-114403876-A-G. GRCh37 (hg19) VCF-style: chr12-114841681-A-G.
Other names: c.23T>C, p.Phe8Ser (NM_000192.3); c.-3-1956T>C (NM_080717.4); short protein forms F8S.
Identifiers: ClinVar variation 3966309 (VCV003966309.1).

ClinVar aggregate classification (germline): Uncertain significance (1 of 4 stars; one submission).

Conditions:
Cardiovascular phenotype. Identifiers: MedGen CN230736.

gnomAD v4.1: 7 of 1,613,324 alleles (0.00043%); highest among the groups gnomAD compares: Non-Finnish European, 0.00051%; no homozygotes.

Submission:

Ambry Genetics
Classification: Uncertain significance for Cardiovascular phenotype. Last evaluated: 2025-05-24. Review status: criteria provided, single submitter. Criteria: Ambry Variant Classification Scheme 2023. Collection method: clinical testing. Allele origin: germline.
Comment: The p.F8S variant (also known as c.23T>C), located in coding exon 1 of the TBX5 gene, results from a T to C substitution at nucleotide position 23. The phenylalanine at codon 8 is replaced by serine, an amino acid with highly dissimilar properties. This amino acid position is conserved. In addition, this alteration is predicted to be deleterious by in silico analysis. Based on the available evidence, the clinical significance of this variant remains unclear.